The following is an entry in ClinVar:

ClinVar aggregate classification (germline): Conflicting classifications of pathogenicity. Review status: criteria provided, conflicting classifications (1 of 4 stars). 3 submissions from 3 submitters: Uncertain significance (1); Likely benign (1). 1 of the submissions does not count toward it. Last evaluated 2026-01-22.

Conditions:
Predisposition to invasive fungal disease due to CARD9 deficiency (IMD103). Also called: CARD9 IMMUNODEFICIENCY; IMMUNODEFICIENCY 103, SUSCEPTIBILITY TO FUNGAL INFECTIONS; Candidiasis, familial, 2, autosomal recessive. Identifiers: Orphanet 457088, MedGen C1859353, MONDO:0008905, OMIM 212050.
CARD9-related disorder. Also called: CARD9-related condition.

Submissions (3):

Labcorp Genetics (formerly Invitae), Labcorp
Classification: Likely benign for Predisposition to invasive fungal disease due to CARD9 deficiency. Last evaluated: 2026-01-22. Review status: criteria provided, single submitter. Criteria: Invitae Variant Classification Sherloc (09022015). Collection method: clinical testing. Allele origin: germline.

Center for Genomics, Ann and Robert H. Lurie Children's Hospital of Chicago
Classification: Uncertain significance for Predisposition to invasive fungal disease due to CARD9 deficiency. Last evaluated: 2021-03-30. Review status: criteria provided, single submitter. Criteria: ACMG Guidelines, 2015. Collection method: clinical testing. Allele origin: germline.
Comment: CARD9 NM_052813.4 exon 10 c.1312-9_1312-8delCT: This variant has not been reported in the literature but is present in 21/23952 African alleles in the Genome Aggregation Database. Evolutionary conservation and computational predictive tools for this variant are limited or unavailable. This variant represents a deletion of 2 nucleotides in an intronic region and may have an unknown effect on splicing. Further studies are needed to understand its impact. In summary, data on this variant is insufficient for disease classification. Therefore, the clinical significance of this variant is uncertain.

PreventionGenetics, part of Exact Sciences
Classification: Likely benign for CARD9-related condition. Last evaluated: 2019-06-17. Review status: no assertion criteria provided. Collection method: clinical testing. Allele origin: germline. Not counted in ClinVar's aggregate classification.
Comment: This variant is classified as likely benign based on ACMG/AMP sequence variant interpretation guidelines (Richards et al. 2015 PMID: 25741868, with internal and published modifications).

NM_052813.5(CARD9):c.1312-13CT[2]

Gene: CARD9 (caspase recruitment domain family member 9; minus strand). Cytogenetic location: 9q34.3.
Variant type: Microsatellite.
Coding change: c.1312-13CT[2] on transcript NM_052813.5 (MANE Select); two copies in a row of the 2-base unit CT starting at c.1312-13; the reference has three copies in a row; one copy, 2 bases deleted.
Molecular consequence: intron variant.
Genome position (GRCh38, 1-based): chr9:136,366,853-136,366,854, AG deleted on the plus strand (CT on the coding strand, the reverse complement: CARD9 is on the minus strand); deleting any 2 consecutive bases within chr9:136,366,853-136,366,858 gives the same sequence; the position shown is the placement nearest the transcript's 3' end. VCF-style (leftmost placement, unchanged base first): chr9-136366852-AAG-A. GRCh37 (hg19) VCF-style: chr9-139261304-AAG-A.
Other names: c.1312-13CT[2] (NM_052814.4); c.1312-9_1312-8delCT (NM_052813.4).
Identifiers: ClinVar variation 535819 (VCV000535819.15), dbSNP rs770532797, ClinGen allele CA5332705.
Genomic context (GRCh38, chr9:136,366,852, plus strand): 5'-CACCTCACCTTTGTCTGAGAGCTGGGTGTCCTCCAGGTCCTGGGGGAGTGAGAGCTTCCA[AAG>A]AGAGTCAAGATGTCCCATTAGGCCACTTCGCCAAGGACTGGACCCGGCCACACTGCCCAC-3'